The following is an entry in ClinVar:

NM_001378414.1(HDAC4):c.2551G>A (p.Gly851Arg)

Gene: HDAC4 (histone deacetylase 4; minus strand). Cytogenetic location: 2q37.3.
Variant type: single nucleotide variant.
Coding change: c.2551G>A on transcript NM_001378414.1 (MANE Select); coding-DNA position 2551, G replaced by A.
Protein change: p.Gly851Arg; replaces glycine 851 with arginine.
Molecular consequence: missense variant.
Genome position (GRCh38, 1-based): chr2:239,082,203, C>T on the plus strand (G>A on the coding strand, the complement: HDAC4 is on the minus strand). VCF-style: chr2-239082203-C-T. GRCh37 (hg19) VCF-style: chr2-240003899-C-T.
Other names: c.2551G>A, p.Gly851Arg (NM_001378415.1); c.2536G>A, p.Gly846Arg (NM_001378416.1, NM_001378417.1, NM_006037.4); c.2470G>A, p.Gly824Arg (NM_001435991.1, NM_001435992.1); c.2392G>A, p.Gly798Arg (NM_001435993.1); short protein forms G798R, G824R, G846R, G851R.
Identifiers: ClinVar variation 4538981 (VCV004538981.1).

ClinVar aggregate classification (germline): Uncertain significance (1 of 4 stars; one submission).

Submission:

GeneDx
Classification: Uncertain significance. Last evaluated: 2025-06-20. Review status: criteria provided, single submitter. Criteria: GeneDx Variant Classification Process June 2021. Collection method: clinical testing. Allele origin: germline. Affected: yes.
Comment: Not observed at significant frequency in large population cohorts (gnomAD); In silico analysis supports that this missense variant has a deleterious effect on protein structure/function; Has not been previously published as pathogenic or benign to our knowledge